The following is an entry in ClinVar:

NM_016616.5(NME8):c.1007G>C (p.Arg336Pro)

Gene: NME8 (NME/NM23 family member 8; plus strand). Cytogenetic location: 7p14.1.
Variant type: single nucleotide variant.
Coding change: c.1007G>C on transcript NM_016616.5 (MANE Select); coding-DNA position 1007, G replaced by C.
Protein change: p.Arg336Pro; replaces arginine 336 with proline.
Molecular consequence: missense variant.
Genome position (GRCh38, 1-based): chr7:37,884,315, G>C. VCF-style: chr7-37884315-G-C. GRCh37 (hg19) VCF-style: chr7-37923917-G-C.
Other names: short protein forms R336P.
Identifiers: ClinVar variation 567173 (VCV000567173.8), dbSNP rs62001869, ClinGen allele CA4222405.

ClinVar aggregate classification (germline): Uncertain significance (1 of 4 stars; one submission).

Conditions:
Primary ciliary dyskinesia 6. Also called: Primary Ciliary Dyskinesia 6: TXNDC3-Related Primary Ciliary Dyskinesia. Identifiers: Orphanet 244, MedGen C1970506, MONDO:0012571, OMIM 610852.

Allele frequency attached by ClinVar (database versions not stated): TOPMed 0.00002.
gnomAD v4.1: 14 of 1,583,354 alleles (0.00088%); highest among the groups gnomAD compares: African/African-American, 0.0054%; no homozygotes.

Submission:

Labcorp Genetics (formerly Invitae), Labcorp
Classification: Uncertain significance for Primary ciliary dyskinesia 6. Last evaluated: 2021-07-17. Review status: criteria provided, single submitter. Criteria: Invitae Variant Classification Sherloc (09022015). Collection method: clinical testing. Allele origin: germline.
Comment: In summary, the available evidence is currently insufficient to determine the role of this variant in disease. Therefore, it has been classified as a Variant of Uncertain Significance. Algorithms developed to predict the effect of missense changes on protein structure and function (SIFT, PolyPhen-2, Align-GVGD) all suggest that this variant is likely to be tolerated. ClinVar contains an entry for this variant (Variation ID: 567173). This variant has not been reported in the literature in individuals affected with NME8-related conditions. This variant is present in population databases (rs62001869, ExAC 0.02%). This sequence change replaces arginine with proline at codon 336 of the NME8 protein (p.Arg336Pro). The arginine residue is weakly conserved and there is a moderate physicochemical difference between arginine and proline.